The following is an entry in ClinVar:

NM_052947.4(ALPK2):c.3442C>G (p.Leu1148Val)

Gene: ALPK2 (alpha kinase 2; minus strand). Cytogenetic location: 18q21.31.
Variant type: single nucleotide variant.
Coding change: c.3442C>G on transcript NM_052947.4 (MANE Select); coding-DNA position 3442, C replaced by G.
Protein change: p.Leu1148Val; replaces leucine 1148 with valine.
Molecular consequence: missense variant.
Genome position (GRCh38, 1-based): chr18:58,536,745, G>C on the plus strand (C>G on the coding strand, the complement: ALPK2 is on the minus strand). VCF-style: chr18-58536745-G-C. GRCh37 (hg19) VCF-style: chr18-56203977-G-C.
Other names: short protein forms L1148V.
Identifiers: ClinVar variation 1731482 (VCV001731482.3), dbSNP rs112151030, ClinGen allele CA8976903.

ClinVar aggregate classification (germline): Uncertain significance (1 of 4 stars; one submission).

Allele frequency attached by ClinVar (database versions not stated): gnomAD exomes 0.00011; ExAC 0.00043; gnomAD 0.00098; TOPMed 0.00113; 1000 Genomes Project 30x 0.00125; 1000 Genomes Project 0.00160; ESP Exome Variant Server 0.00177.
gnomAD v4.1: 330 of 1,614,214 alleles (0.02%); highest among the groups gnomAD compares: African/African-American, 0.37%; 3 homozygotes.

Submission:

Ambry Genetics
Classification: Uncertain significance. Last evaluated: 2024-09-21. Review status: criteria provided, single submitter. Criteria: Ambry Variant Classification Scheme 2023. Collection method: clinical testing. Allele origin: germline.
Comment: The p.L1148V variant (also known as c.3442C>G), located in coding exon 4 of the ALPK2 gene, results from a C to G substitution at nucleotide position 3442. The leucine at codon 1148 is replaced by valine, an amino acid with highly similar properties. This amino acid position is conserved. In addition, this alteration is predicted to be tolerated by in silico analysis. Since supporting evidence is limited at this time, the clinical significance of this alteration remains unclear.